The following is an entry in ClinVar:

NM_032737.4(LMNB2):c.1336G>A (p.Gly446Ser)

Gene: LMNB2 (lamin B2; minus strand). Cytogenetic location: 19p13.3.
Variant type: single nucleotide variant.
Coding change: c.1336G>A on transcript NM_032737.4 (MANE Select); coding-DNA position 1336, G replaced by A.
Protein change: p.Gly446Ser; replaces glycine 446 with serine.
Molecular consequence: missense variant.
Genome position (GRCh38, 1-based): chr19:2,433,972, C>T on the plus strand (G>A on the coding strand, the complement: LMNB2 is on the minus strand). VCF-style: chr19-2433972-C-T. GRCh37 (hg19) VCF-style: chr19-2433970-C-T.
Other names: short protein forms G446S.
Identifiers: ClinVar variation 1965163 (VCV001965163.2), dbSNP rs755888473, ClinGen allele CA9067528.

ClinVar aggregate classification (germline): Uncertain significance (1 of 4 stars; one submission).

Conditions:
Progressive myoclonic epilepsy type 9. Identifiers: Orphanet 457265, MedGen C4225289, MONDO:0014685, OMIM 616540.
Lipodystrophy, partial, acquired, susceptibility to (APLD). Also called: APLD, SUSCEPTIBILITY TO. Identifiers: MedGen C3887501, MONDO:0100476, OMIM 608709.

Allele frequency attached by ClinVar (database versions not stated): gnomAD 0.00001; gnomAD exomes 0.00001; ExAC 0.00002; TOPMed 0.00002.
gnomAD v4.1: 18 of 1,610,860 alleles (0.0011%); highest among the groups gnomAD compares: Admixed American, 0.0017%; no homozygotes.

Submission:

Labcorp Genetics (formerly Invitae), Labcorp
Classification: Uncertain significance for Progressive myoclonic epilepsy type 9; Lipodystrophy, partial, acquired, susceptibility to. Last evaluated: 2022-09-30. Review status: criteria provided, single submitter. Criteria: Invitae Variant Classification Sherloc (09022015). Collection method: clinical testing. Allele origin: germline.
Comment: This sequence change replaces glycine, which is neutral and non-polar, with serine, which is neutral and polar, at codon 446 of the LMNB2 protein (p.Gly446Ser). This variant is present in population databases (rs755888473, gnomAD 0.005%). This variant has not been reported in the literature in individuals affected with LMNB2-related conditions. Algorithms developed to predict the effect of missense changes on protein structure and function are either unavailable or do not agree on the potential impact of this missense change (SIFT: "Deleterious"; PolyPhen-2: "Possibly Damaging"; Align-GVGD: "Class C0"). In summary, the available evidence is currently insufficient to determine the role of this variant in disease. Therefore, it has been classified as a Variant of Uncertain Significance.